The following is an entry in ClinVar:

NM_001572.5(IRF7):c.719T>C (p.Val240Ala)

Gene: IRF7 (interferon regulatory factor 7; minus strand). Cytogenetic location: 11p15.5.
Variant type: single nucleotide variant.
Coding change: c.719T>C on transcript NM_001572.5 (MANE Select); coding-DNA position 719, T replaced by C.
Protein change: p.Val240Ala; replaces valine 240 with alanine.
Molecular consequence: missense variant. On other transcripts: intron variant (1).
Genome position (GRCh38, 1-based): chr11:613,998, A>G on the plus strand (T>C on the coding strand, the complement: IRF7 is on the minus strand). VCF-style: chr11-613998-A-G. GRCh37 (hg19) VCF-style: chr11-613998-A-G.
Other names: c.758T>C, p.Val253Ala (NM_004031.4); c.680-133T>C (NM_004029.4); c.758T>C (NM_004031.2); short protein forms V253A, V240A.
Identifiers: ClinVar variation 1920502 (VCV001920502.6), dbSNP rs772123983, ClinGen allele CA5783814.

ClinVar aggregate classification (germline): Uncertain significance. Review status: criteria provided, multiple submitters, no conflicts (2 of 4 stars). 2 submissions from 2 submitters: Uncertain significance (2). Last evaluated 2025-09-10.

Conditions:
Immunodeficiency 39 (IMD39). Identifiers: Orphanet 574918, MedGen C4225358, MONDO:0014597, OMIM 616345.

Allele frequency attached by ClinVar (database versions not stated): ExAC 0.00001; gnomAD 0.00001; TOPMed 0.00003.
gnomAD v4.1: 3 of 1,608,930 alleles (0.00019%); highest among the groups gnomAD compares: Admixed American, 0.0051%; no homozygotes.

Submissions (2):

Labcorp Genetics (formerly Invitae), Labcorp
Classification: Uncertain significance for Immunodeficiency 39. Last evaluated: 2025-09-10. Review status: criteria provided, single submitter. Criteria: Invitae Variant Classification Sherloc (09022015). Collection method: clinical testing. Allele origin: germline.
Comment: This sequence change replaces valine, which is neutral and non-polar, with alanine, which is neutral and non-polar, at codon 253 of the IRF7 protein (p.Val253Ala). This variant is present in population databases (rs772123983, gnomAD 0.001%). This variant has not been reported in the literature in individuals affected with IRF7-related conditions. ClinVar contains an entry for this variant (Variation ID: 1920502). An algorithm developed to predict the effect of missense changes on protein structure and function outputs the following: PolyPhen-2: "Benign". The alanine amino acid residue is found in multiple mammalian species, which suggests that this missense change does not adversely affect protein function. In summary, the available evidence is currently insufficient to determine the role of this variant in disease. Therefore, it has been classified as a Variant of Uncertain Significance.

Ambry Genetics
Classification: Uncertain significance. Last evaluated: 2023-12-09. Review status: criteria provided, single submitter. Criteria: Ambry Variant Classification Scheme 2023. Collection method: clinical testing. Allele origin: germline.